The following is an entry in ClinVar:

ClinVar aggregate classification (germline): Uncertain significance (1 of 4 stars; one submission).

gnomAD v4.1: 3 of 1,613,900 alleles (0.00019%); highest among the groups gnomAD compares: African/African-American, 0.0013%; no homozygotes.

Submission:

Ambry Genetics
Classification: Uncertain significance. Last evaluated: 2025-04-06. Review status: criteria provided, single submitter. Criteria: Ambry Variant Classification Scheme 2023. Collection method: clinical testing. Allele origin: germline.
Comment: The p.M791V variant (also known as c.2371A>G), located in coding exon 13 of the GEN1 gene, results from an A to G substitution at nucleotide position 2371. The methionine at codon 791 is replaced by valine, an amino acid with highly similar properties. This amino acid position is conserved. In addition, this alteration is predicted to be tolerated by in silico analysis. Based on the available evidence, the clinical significance of this variant remains unclear.

NM_001130009.3(GEN1):c.2371A>G (p.Met791Val)

Gene: GEN1 (GEN1 Holliday junction 5' flap endonuclease; plus strand). Cytogenetic location: 2p24.2.
Variant type: single nucleotide variant.
Coding change: c.2371A>G on transcript NM_001130009.3 (MANE Select); coding-DNA position 2371, A replaced by G.
Protein change: p.Met791Val; replaces methionine 791 with valine.
Molecular consequence: missense variant.
Genome position (GRCh38, 1-based): chr2:17,781,583, A>G. VCF-style: chr2-17781583-A-G. GRCh37 (hg19) VCF-style: chr2-17962850-A-G.
Other names: c.2371A>G, p.Met791Val (NM_182625.5); short protein forms M791V.
Identifiers: ClinVar variation 4029207 (VCV004029207.1).